The following is an entry in ClinVar:

NM_007294.4(BRCA1):c.565G>A (p.Asp189Asn)

Gene: BRCA1 (BRCA1 DNA repair associated; minus strand). Cytogenetic location: 17q21.31.
Variant type: single nucleotide variant.
Coding change: c.565G>A on transcript NM_007294.4 (MANE Select); coding-DNA position 565, G replaced by A.
Protein change: p.Asp189Asn; replaces aspartic acid 189 with asparagine.
Molecular consequence: missense variant. On other transcripts: intron variant (115).
Genome position (GRCh38, 1-based): chr17:43,097,272, C>T on the plus strand (G>A on the coding strand, the complement: BRCA1 is on the minus strand). VCF-style: chr17-43097272-C-T. GRCh37 (hg19) VCF-style: chr17-41249289-C-T.
Other names: c.562G>A, p.Asp188Asn (NM_001407614.1, NM_001407615.1, NM_001407636.1 and 41 more transcripts); c.565G>A, p.Asp189Asn (NM_001407616.1, NM_001407617.1, NM_001407618.1 and 58 more transcripts); c.352G>A, p.Asp118Asn (NM_001407571.1, NM_001407853.1, NM_001407894.1 and 12 more transcripts); c.556G>A, p.Asp186Asn (NM_001407646.1, NM_001407647.1, NM_001408408.1); c.487G>A, p.Asp163Asn (NM_001407653.1, NM_001407654.1, NM_001407655.1 and 9 more transcripts); c.484G>A, p.Asp162Asn (NM_001407659.1, NM_001407660.1, NM_001407661.1 and 3 more transcripts); c.424G>A, p.Asp142Asn (NM_001407692.1, NM_001407694.1, NM_001407695.1 and 43 more transcripts); c.421G>A, p.Asp141Asn (NM_001407740.1, NM_001407741.1, NM_001407742.1 and 26 more transcripts); and 17 more; short protein forms D118N, D119N, D141N, D142N, D144N, D162N, D163N, D186N.
Identifiers: ClinVar variation 4800867 (VCV004800867.1).

ClinVar aggregate classification (germline): Uncertain significance (1 of 4 stars; one submission).

Conditions:
Hereditary breast ovarian cancer syndrome. Also called: Hereditary breast and ovarian cancer syndrome (HBOC); Hereditary breast and ovarian cancer; Breast and ovarian cancer; Hereditary breast and/or ovarian cancer syndrome; BRCA1- and BRCA2-Associated Hereditary Breast and Ovarian Cancer; Hereditary breast and ovarian cancer syndrome. Identifiers: Orphanet 145, MedGen C0677776, MeSH D061325, MONDO:0003582. Disease mechanism: loss of function.

Submission:

Labcorp Genetics (formerly Invitae), Labcorp
Classification: Uncertain significance for Hereditary breast ovarian cancer syndrome. Last evaluated: 2025-05-07. Review status: criteria provided, single submitter. Criteria: Invitae Variant Classification Sherloc (09022015). Collection method: clinical testing. Allele origin: germline.
Comment: This sequence change replaces aspartic acid, which is acidic and polar, with asparagine, which is neutral and polar, at codon 189 of the BRCA1 protein (p.Asp189Asn). This variant is not present in population databases (gnomAD no frequency). This variant has not been reported in the literature in individuals affected with BRCA1-related conditions. Invitae Evidence Modeling of protein sequence and biophysical properties (such as structural, functional, and spatial information, amino acid conservation, physicochemical variation, residue mobility, and thermodynamic stability) indicates that this missense variant is expected to disrupt BRCA1 protein function with a positive predictive value of 80%. Algorithms developed to predict the effect of sequence changes on RNA splicing suggest that this variant may disrupt the consensus splice site. In summary, the available evidence is currently insufficient to determine the role of this variant in disease. Therefore, it has been classified as a Variant of Uncertain Significance.